The following is an entry in ClinVar:

NM_002335.4(LRP5):c.1756C>G (p.Pro586Ala)

Gene: LRP5 (LDL receptor related protein 5; plus strand). Cytogenetic location: 11q13.2.
Variant type: single nucleotide variant.
Coding change: c.1756C>G on transcript NM_002335.4 (MANE Select); coding-DNA position 1756, C replaced by G.
Protein change: p.Pro586Ala; replaces proline 586 with alanine.
Molecular consequence: missense variant. On other transcripts: 5 prime UTR variant (1).
Genome position (GRCh38, 1-based): chr11:68,403,654, C>G. VCF-style: chr11-68403654-C-G. GRCh37 (hg19) VCF-style: chr11-68171122-C-G.
Other names: c.-182C>G (NM_001291902.2); short protein forms P586A.
Identifiers: ClinVar variation 1912431 (VCV001912431.5), dbSNP rs2098653942, ClinGen allele CA381614600.

ClinVar aggregate classification (germline): Uncertain significance (1 of 4 stars; one submission).

Allele frequency attached by ClinVar (database versions not stated): TOPMed below 0.00001.

Submission:

Labcorp Genetics (formerly Invitae), Labcorp
Classification: Uncertain significance. Last evaluated: 2024-11-19. Review status: criteria provided, single submitter. Criteria: Invitae Variant Classification Sherloc (09022015). Collection method: clinical testing. Allele origin: germline.
Comment: This sequence change replaces proline, which is neutral and non-polar, with alanine, which is neutral and non-polar, at codon 586 of the LRP5 protein (p.Pro586Ala). This variant is not present in population databases (gnomAD no frequency). This variant has not been reported in the literature in individuals affected with LRP5-related conditions. ClinVar contains an entry for this variant (Variation ID: 1912431). Invitae Evidence Modeling of protein sequence and biophysical properties (such as structural, functional, and spatial information, amino acid conservation, physicochemical variation, residue mobility, and thermodynamic stability) has been performed for this missense variant. However, the output from this modeling did not meet the statistical confidence thresholds required to predict the impact of this variant on LRP5 protein function. In summary, the available evidence is currently insufficient to determine the role of this variant in disease. Therefore, it has been classified as a Variant of Uncertain Significance.